The following is an entry in ClinVar:

ClinVar aggregate classification (germline): Conflicting classifications of pathogenicity. Review status: criteria provided, conflicting classifications (1 of 4 stars). 24 submissions from 20 submitters: Uncertain significance (1); Benign (14); Likely benign (5). 4 of the submissions do not count toward it. Last evaluated 2026-09-01.

Conditions:
Cardiovascular phenotype. Identifiers: MedGen CN230736.
Dilated cardiomyopathy 1G (CMD1G). Identifiers: Orphanet 154, MedGen C1858763, MONDO:0011400, OMIM 604145.
Autosomal recessive limb-girdle muscular dystrophy type 2J (LGMDR10). Also called: MUSCULAR DYSTROPHY, LIMB-GIRDLE, AUTOSOMAL RECESSIVE 10; Limb-girdle muscular dystrophy, type 2J. Identifiers: Orphanet 140922, MedGen C1837342, MONDO:0012127, OMIM 608807.
Cardiomyopathy (CMYO). Also called: Cardiomyopathies. Identifiers: Orphanet 167848, MedGen C0878544, MONDO:0004994, HP:0001638. Inheritance: Various modes of inheritance.
Early-onset myopathy with fatal cardiomyopathy (CMYO5). Also called: CONGENITAL MYOPATHY 5 WITH CARDIOMYOPATHY; Salih Myopathy. Identifiers: Orphanet 289377, MedGen C2673677, MONDO:0012714, OMIM 611705. Disease mechanism: loss of function.
Myopathy, myofibrillar, 9, with early respiratory failure (MFM9). Also called: Myopathy, distal, with early respiratory failure, autosomal dominant; Hereditary myopathy with early respiratory failure; MYOPATHY, PROXIMAL, WITH EARLY RESPIRATORY MUSCLE INVOLVEMENT; EDSTROM MYOPATHY. Identifiers: Orphanet 178464, Orphanet 34521, MedGen C1863599, MONDO:0011362, OMIM 603689.
Tibial muscular dystrophy (TMD). Also called: Udd Distal Myopathy – Tibial Muscular Dystrophy; Tibial muscular dystrophy, tardive; UDD MYOPATHY. Identifiers: Orphanet 609, MedGen C1838244, MONDO:0010870, OMIM 600334.
Primary dilated cardiomyopathy (DCM). Also called: Dilated Cardiomyopathy. Identifiers: Orphanet 217604, MedGen C0007193, MeSH D002311, MONDO:0005021, HP:0001644. Inheritance: Various modes of inheritance.

Allele frequency attached by ClinVar (database versions not stated): gnomAD 0.00106 and 0.00179; ExAC 0.00432; TOPMed 0.00105; ESP Exome Variant Server 0.00148; gnomAD exomes 0.00373 and 0.00220; 1000 Genomes Project 30x 0.00593; 1000 Genomes Project 0.00599.
gnomAD v4.1: 3,519 of 1,612,350 alleles (0.22%); highest among the groups gnomAD compares: South Asian, 2.1%; 53 homozygotes.

Submissions (24):

CeGaT Center for Human Genetics Tuebingen
Classification: Benign. Last evaluated: 2026-09-01. Review status: criteria provided, single submitter. Criteria: CeGaT Center For Human Genetics Tuebingen Variant Classification Criteria Version 2. Collection method: clinical testing. Allele origin: germline. Affected: yes. Observed: 18 variant alleles.
Comment: TTN: BP4, BS1, BS2

Labcorp Genetics (formerly Invitae), Labcorp
Classification: Benign for Dilated cardiomyopathy 1G; Autosomal recessive limb-girdle muscular dystrophy type 2J. Last evaluated: 2026-02-03. Review status: criteria provided, single submitter. Criteria: Invitae Variant Classification Sherloc (09022015). Collection method: clinical testing. Allele origin: germline.

ARUP Laboratories, Molecular Genetics and Genomics, ARUP Laboratories
Classification: Benign. Last evaluated: 2025-06-23. Review status: criteria provided, single submitter. Criteria: ARUP Molecular Germline Variant Investigation Process 2024. Collection method: clinical testing. Allele origin: germline.

Molecular Diagnostic Laboratory for Inherited Cardiovascular Disease, Montreal Heart Institute
Classification: Benign. Last evaluated: 2025-04-09. Review status: criteria provided, single submitter. Criteria: ACMG Guidelines, 2015. Collection method: clinical testing. Allele origin: germline. Affected: no.

Athena Diagnostics
Classification: Benign. Last evaluated: 2025-01-21. Review status: criteria provided, single submitter. Criteria: Athena Diagnostics Criteria. Collection method: clinical testing. Allele origin: unknown.
Comment: The frequency of this variant in the general population is higher than would generally be expected for pathogenic variants in this gene.

Mayo Clinic Laboratories, Mayo Clinic
Classification: Benign. Last evaluated: 2023-06-16. Review status: criteria provided, single submitter. Criteria: ACMG Guidelines, 2015. Collection method: clinical testing. Allele origin: germline. Observed: 9 variant alleles.
Comment: BS1, BS2, BP4

Women's Health and Genetics/Laboratory Corporation of America, LabCorp
Classification: Likely benign. Last evaluated: 2020-01-06. Review status: criteria provided, single submitter. Criteria: LabCorp Variant Classification Summary - May 2015. Collection method: clinical testing. Allele origin: germline.

CHEO Genetics Diagnostic Laboratory, Children's Hospital of Eastern Ontario
Classification: Benign for Cardiomyopathy. Last evaluated: 2019-05-30. Review status: criteria provided, single submitter. Criteria: ACMG Guidelines, 2015. Collection method: clinical testing. Allele origin: germline.

Illumina Laboratory Services, Illumina
Classification: Benign for Tibial muscular dystrophy. Last evaluated: 2018-01-13. Review status: criteria provided, single submitter. Criteria: ICSL Variant Classification Criteria 13 December 2019. Collection method: clinical testing. Allele origin: germline.
Comment: This variant was observed in the ICSL laboratory as part of a predisposition screen in an ostensibly healthy population. It had not been previously curated by ICSL or reported in the Human Gene Mutation Database (HGMD: prior to June 1st, 2018), and was therefore a candidate for classification through an automated scoring system. Utilizing variant allele frequency, disease prevalence and penetrance estimates, and inheritance mode, an automated score was calculated to assess if this variant is too frequent to cause the disease. Based on the score and internal cut-off values, a variant classified as benign is not then subjected to further curation. The score for this variant resulted in a classification of benign for this disease.

Illumina Laboratory Services, Illumina
Classification: Likely benign for Autosomal recessive limb-girdle muscular dystrophy type 2J. Last evaluated: 2018-01-13. Review status: criteria provided, single submitter. Criteria: ICSL Variant Classification Criteria 13 December 2019. Collection method: clinical testing. Allele origin: germline.
Comment: This variant was observed in the ICSL laboratory as part of a predisposition screen in an ostensibly healthy population. It had not been previously curated by ICSL or reported in the Human Gene Mutation Database (HGMD: prior to June 1st, 2018), and was therefore a candidate for classification through an automated scoring system. Utilizing variant allele frequency, disease prevalence and penetrance estimates, and inheritance mode, an automated score was calculated to assess if this variant is too frequent to cause the disease. Based on the score and internal cut-off values, a variant classified as likely benign is not then subjected to further curation. The score for this variant resulted in a classification of likely benign for this disease.

Illumina Laboratory Services, Illumina
Classification: Likely benign for Dilated cardiomyopathy 1G. Last evaluated: 2018-01-13. Review status: criteria provided, single submitter. Criteria: ICSL Variant Classification Criteria 13 December 2019. Collection method: clinical testing. Allele origin: germline.
Comment: the same text as in the submission from Illumina Laboratory Services, Illumina above.

Illumina Laboratory Services, Illumina
Classification: Benign for Myopathy, myofibrillar, 9, with early respiratory failure. Last evaluated: 2018-01-13. Review status: criteria provided, single submitter. Criteria: ICSL Variant Classification Criteria 13 December 2019. Collection method: clinical testing. Allele origin: germline.
Comment: the same text as in the submission from Illumina Laboratory Services, Illumina above.

Illumina Laboratory Services, Illumina
Classification: Likely benign for Early-onset myopathy with fatal cardiomyopathy. Last evaluated: 2018-01-13. Review status: criteria provided, single submitter. Criteria: ICSL Variant Classification Criteria 13 December 2019. Collection method: clinical testing. Allele origin: germline.
Comment: the same text as in the submission from Illumina Laboratory Services, Illumina above.

Center for Advanced Laboratory Medicine, UC San Diego Health, University of California San Diego
Classification: Benign for Dilated cardiomyopathy. Last evaluated: 2017-02-28. Review status: criteria provided, single submitter. Criteria: ACMG Guidelines, 2015. Collection method: clinical testing. Allele origin: germline. Affected: yes. Observed: 1 variant allele.

Ambry Genetics
Classification: Benign for Cardiovascular phenotype. Last evaluated: 2017-02-22. Review status: criteria provided, single submitter. Criteria: Ambry Variant Classification Scheme 2023. Collection method: clinical testing. Allele origin: germline.

GeneDx
Classification: Benign. Last evaluated: 2016-02-08. Review status: criteria provided, single submitter. Criteria: GeneDx Variant Classification (06012015). Collection method: clinical testing. Allele origin: germline. Affected: yes.
Comment: This variant is considered likely benign or benign based on one or more of the following criteria: it is a conservative change, it occurs at a poorly conserved position in the protein, it is predicted to be benign by multiple in silico algorithms, and/or has population frequency not consistent with disease.

Eurofins Ntd Llc (ga)
Classification: Benign. Last evaluated: 2015-09-01. Review status: criteria provided, single submitter. Criteria: EGL Classification Definitions 2015. Collection method: clinical testing. Allele origin: germline. Observed: 1 variant allele, 1 heterozygote.

Laboratory for Molecular Medicine, Mass General Brigham Personalized Medicine
Classification: Benign. Last evaluated: 2015-02-25. Review status: criteria provided, single submitter. Criteria: LMM Criteria. Collection method: clinical testing. Allele origin: germline. Observed: 13 variant alleles.
Comment: p.Pro13281Thr in exon 202 of TTN: This variant is not expected to have clinical significance because it has been identified in 2.3% (385/16506) of South Asian c hromosomes by the Exome Aggregation Consortium (ExAC .org; dbSNP rs146181477).

Genetic Services Laboratory, University of Chicago
Classification: Uncertain significance. Last evaluated: 2014-03-17. Review status: criteria provided, single submitter. Criteria: ACMG Guidelines, 2007. Collection method: clinical testing. Allele origin: germline.

Biesecker Lab/Clinical Genomics Section, National Institutes of Health
Classification: Likely benign. Last evaluated: 2013-06-24. Review status: criteria provided, single submitter. Criteria: Ng et al. (Circ Cardiovasc Genet. 2013). Collection method: research. Allele origin: unknown. Observed: 2 variant alleles. Study: ClinSeq.
Comment: The study set was not selected for affection status in relation to any cancer. Pathogenicity categories were based on literature curation. See Pubmed ID:23861362 for details.

Medical sequencing

Clinical Genetics, Academic Medical Center
Classification: Benign. Review status: no assertion criteria provided. Collection method: clinical testing. Allele origin: germline. Affected: yes. Study: VKGL Data-share Consensus. Not counted in ClinVar's aggregate classification.

Diagnostic Laboratory, Department of Genetics, University Medical Center Groningen
Classification: Likely benign. Review status: no assertion criteria provided. Collection method: clinical testing. Allele origin: germline. Affected: yes. Study: VKGL Data-share Consensus. Not counted in ClinVar's aggregate classification.

Joint Genome Diagnostic Labs from Nijmegen and Maastricht, Radboudumc and MUMC+
Classification: Benign. Review status: no assertion criteria provided. Collection method: clinical testing. Allele origin: germline. Affected: yes. Study: VKGL Data-share Consensus. Not counted in ClinVar's aggregate classification.

Laboratory of Diagnostic Genome Analysis, Leiden University Medical Center (LUMC)
Classification: Likely benign. Review status: no assertion criteria provided. Collection method: clinical testing. Allele origin: germline. Affected: yes. Study: VKGL Data-share Consensus. Not counted in ClinVar's aggregate classification.

Literature cited by the submitters: PubMed 24503780 (cited by Athena Diagnostics); PubMed 23861362 (cited by Athena Diagnostics).

NM_001267550.2(TTN):c.47545C>A (p.Pro15849Thr)

Genes: TTN (titin; minus strand), TTN-AS1 (TTN antisense RNA 1; plus strand). Cytogenetic location: 2q31.2.
Variant type: single nucleotide variant.
Coding change: c.47545C>A on transcript NM_001267550.2 (MANE Select); coding-DNA position 47545, C replaced by A.
Protein change: p.Pro15849Thr; replaces proline 15849 with threonine.
Molecular consequence: missense variant.
Genome position (GRCh38, 1-based): chr2:178,617,806, G>T on the plus strand (C>A on the coding strand, the complement: TTN is on the minus strand). VCF-style: chr2-178617806-G-T. GRCh37 (hg19) VCF-style: chr2-179482533-G-T.
Other names: p.P14208T:CCC>ACC; p.Pro14208Thr; c.42622C>A, p.Pro14208Thr (NM_001256850.1); c.20350C>A, p.Pro6784Thr (NM_003319.4); c.39841C>A, p.Pro13281Thr (NM_133378.4); c.20725C>A, p.Pro6909Thr (NM_133432.3); c.20926C>A, p.Pro6976Thr (NM_133437.4); short protein forms P15849T, P13281T, P14208T, P6784T, P6976T, P6909T.
Identifiers: ClinVar variation 47013 (VCV000047013.66), dbSNP rs146181477, ClinGen allele CA139762.